The following is an entry in ClinVar:

ClinVar aggregate classification (germline): Uncertain significance (1 of 4 stars; one submission).

Submission:

Women's Health and Genetics/Laboratory Corporation of America, LabCorp
Classification: Uncertain significance. Last evaluated: 2024-11-06. Review status: criteria provided, single submitter. Criteria: LabCorp Variant Classification Summary - May 2015. Collection method: clinical testing. Allele origin: germline.
Comment: Variant summary: TIAM1 c.1261G>A (p.Gly421Ser) results in a non-conservative amino acid change in the encoded protein sequence. Two of three in-silico tools predict a damaging effect of the variant on protein function. The variant allele was found at a frequency of 0.00022 in 250134 control chromosomes. This frequency is not significantly higher than estimated for a pathogenic variant in TIAM1 causing Neurodevelopmental Disorder With Language Delay And Seizures, allowing no conclusion about variant significance. To our knowledge, no occurrence of c.1261G>A in individuals affected with Neurodevelopmental Disorder With Language Delay And Seizures and no experimental evidence demonstrating its impact on protein function have been reported. No submitters have cited clinical-significance assessments for this variant to ClinVar. Based on the evidence outlined above, the variant was classified as uncertain significance.

NM_001353694.2(TIAM1):c.1261G>A (p.Gly421Ser)

Gene: TIAM1 (TIAM Rac1 associated GEF 1; minus strand). Cytogenetic location: 21q22.11.
Variant type: single nucleotide variant.
Coding change: c.1261G>A on transcript NM_001353694.2 (MANE Select); coding-DNA position 1261, G replaced by A.
Protein change: p.Gly421Ser; replaces glycine 421 with serine.
Molecular consequence: missense variant.
Genome position (GRCh38, 1-based): chr21:31,251,892, C>T on the plus strand (G>A on the coding strand, the complement: TIAM1 is on the minus strand). VCF-style: chr21-31251892-C-T. GRCh37 (hg19) VCF-style: chr21-32624208-C-T.
Other names: c.1261G>A, p.Gly421Ser (NM_001353686.2, NM_001353687.2, NM_001353688.1 and 6 more transcripts); short protein forms G421S.
Identifiers: ClinVar variation 3629787 (VCV003629787.1).
Genomic context (GRCh38, chr21:31,251,892, plus strand): 5'-CCAGGGCGCCGGCCTTGCGCACCGTGCCCTGTGCGGCGGTCAGCAGGATGTCCGACTGGC[C>T]CGGAGAGCTCAGGGTGCCGCTGCTCTGCTCATCGCTGTGCGCCGAGCCGGCCTCCTCCAG-3'
Protein context (NP_001340623.1, residues 411-431): EQSSGTLSSP[Gly421Ser]QSDILLTAAQ